The following is an entry in ClinVar:

NM_032737.4(LMNB2):c.1337G>A (p.Gly446Asp)

Gene: LMNB2 (lamin B2; minus strand). Cytogenetic location: 19p13.3.
Variant type: single nucleotide variant.
Coding change: c.1337G>A on transcript NM_032737.4 (MANE Select); coding-DNA position 1337, G replaced by A.
Protein change: p.Gly446Asp; replaces glycine 446 with aspartic acid.
Molecular consequence: missense variant.
Genome position (GRCh38, 1-based): chr19:2,433,971, C>T on the plus strand (G>A on the coding strand, the complement: LMNB2 is on the minus strand). VCF-style: chr19-2433971-C-T. GRCh37 (hg19) VCF-style: chr19-2433969-C-T.
Other names: short protein forms G446D.
Identifiers: ClinVar variation 2142915 (VCV002142915.4), dbSNP rs752435223, ClinGen allele CA9067527.

ClinVar aggregate classification (germline): Uncertain significance (1 of 4 stars; one submission).

Conditions:
Progressive myoclonic epilepsy type 9. Identifiers: Orphanet 457265, MedGen C4225289, MONDO:0014685, OMIM 616540.
Lipodystrophy, partial, acquired, susceptibility to (APLD). Also called: APLD, SUSCEPTIBILITY TO. Identifiers: MedGen C3887501, MONDO:0100476, OMIM 608709.

Allele frequency attached by ClinVar (database versions not stated): ExAC 0.00001; gnomAD exomes 0.00001.
gnomAD v4.1: 10 of 1,610,888 alleles (0.00062%); highest among the groups gnomAD compares: Non-Finnish European, 0.00076%; no homozygotes.

Submission:

Labcorp Genetics (formerly Invitae), Labcorp
Classification: Uncertain significance for Progressive myoclonic epilepsy type 9; Lipodystrophy, partial, acquired, susceptibility to. Last evaluated: 2024-02-05. Review status: criteria provided, single submitter. Criteria: Invitae Variant Classification Sherloc (09022015). Collection method: clinical testing. Allele origin: germline.
Comment: This sequence change replaces glycine, which is neutral and non-polar, with aspartic acid, which is acidic and polar, at codon 446 of the LMNB2 protein (p.Gly446Asp). This variant is present in population databases (rs752435223, gnomAD 0.0009%). This variant has not been reported in the literature in individuals affected with LMNB2-related conditions. ClinVar contains an entry for this variant (Variation ID: 2142915). An algorithm developed to predict the effect of missense changes on protein structure and function (PolyPhen-2) suggests that this variant is likely to be disruptive. In summary, the available evidence is currently insufficient to determine the role of this variant in disease. Therefore, it has been classified as a Variant of Uncertain Significance.